The following is an entry in ClinVar:

NM_000303.3(PMM2):c.153dup (p.Val52fs)

Gene: PMM2 (phosphomannomutase 2; plus strand). Cytogenetic location: 16p13.2.
Variant type: Duplication.
Coding change: c.153dup on transcript NM_000303.3 (MANE Select); coding-DNA position 153, one base duplicated (A; older notation c.153dupA).
Protein change: p.Val52fs; shifts the reading frame from valine 52.
Molecular consequence: frameshift variant.
Genome position (GRCh38, 1-based): chr16:8,801,885, A duplicated; the last of 3 consecutive A bases (chr16:8,801,883-8,801,885); duplicating any one gives the same sequence. VCF-style (leftmost placement, unchanged base first): chr16-8801882-G-GA. GRCh37 (hg19) VCF-style: chr16-8895739-G-GA.
Other names: short protein forms V52fs.
Identifiers: ClinVar variation 5015104 (VCV005015104.1).

ClinVar aggregate classification (germline): Pathogenic (1 of 4 stars; one submission).

Conditions:
PMM2-congenital disorder of glycosylation. Also called: CDG Ia; JAEKEN SYNDROME; PHOSPHOMANNOMUTASE 2 DEFICIENCY; CARBOHYDRATE-DEFICIENT GLYCOPROTEIN SYNDROME, TYPE Ia; PMM2-CDG; Congenital disorder of glycosylation, type Ia. Identifiers: Orphanet 79318, MedGen C0349653, MONDO:0008907, OMIM 212065.

Submission:

Myriad Genetics, Inc.
Classification: Pathogenic for PMM2-congenital disorder of glycosylation. Last evaluated: 2025-10-18. Review status: criteria provided, single submitter. Criteria: Myriad Autosomal Dominant, Autosomal Recessive and X-Linked Classification Criteria (2023). Collection method: clinical testing. Allele origin: unknown.
Comment: NM_000303.2(PMM2):c.153dupA(V52Sfs*8) is expected to be pathogenic in the context of congenital disorder of glycosylation, PMM2-related. This variant is predicted to lead to an abnormal or absent protein product due to the creation of a premature termination codon in PMM2, a gene where loss-of-function variants are known to be pathogenic. Please note: this variant was assessed in the context of healthy population screening.